The following is an entry in ClinVar:

ClinVar aggregate classification (germline): Pathogenic. Review status: criteria provided, multiple submitters, no conflicts (2 of 4 stars). 30 submissions from 30 submitters: Pathogenic (26). 4 of the submissions do not count toward it. Last evaluated 2025-12-23.

Conditions:
DNAH5-related disorders.
DNAH5-related disorder. Also called: DNAH5-related condition.
Primary ciliary dyskinesia. Also called: Ciliary dyskinesia. Identifiers: Orphanet 244, MedGen C0008780, MONDO:0016575, HP:0012265.
Primary ciliary dyskinesia 3. Identifiers: Orphanet 244, MedGen C1837618, MONDO:0012085, OMIM 608644.

Allele frequency attached by ClinVar (database versions not stated): ExAC 0.00015; gnomAD exomes 0.00016 and 0.00044; gnomAD 0.00019 and 0.00021; TOPMed 0.00015.

Submissions 1 to 12 of 30:

Natera, Inc.
Classification: Pathogenic for Primary ciliary dyskinesia. Last evaluated: 2025-12-23. Review status: criteria provided, single submitter. Criteria: Natera Variant Classification Schema (03/2026). Collection method: clinical testing. Allele origin: germline.
Comment: The c.10815delT variant in DNAH5 is a frameshift variant predicted to shift the reading frame beginning at codon 3606 and leads to a stop codon 23 codons downstream. This variant is expected to result in nonsense mediated decay, truncation, or a dysfunctional protein product. This variant is rare in the general population with a frequency below the threshold expected for the associated phenotype(s). This variant has been observed in one or more individuals affected with the associated recessive disease, as either homozygous or compound heterozygous with a second variant (PMID: 16627867). Additionally, this variant has been observed to segregate in affected family members (PMID: 16627867). Given the available evidence, this variant is classified as Pathogenic.

Labcorp Genetics (formerly Invitae), Labcorp
Classification: Pathogenic for Primary ciliary dyskinesia. Last evaluated: 2025-12-01. Review status: criteria provided, single submitter. Criteria: Invitae Variant Classification Sherloc (09022015). Collection method: clinical testing. Allele origin: germline.
Comment: This sequence change creates a premature translational stop signal (p.Pro3606Hisfs*23) in the DNAH5 gene. It is expected to result in an absent or disrupted protein product. Loss-of-function variants in DNAH5 are known to be pathogenic (PMID: 11788826, 16627867). This variant is present in population databases (rs397515540, gnomAD 0.03%), including at least one homozygous and/or hemizygous individual. This premature translational stop signal has been observed in individual(s) with primary ciliary dyskinesia (PMID: 16627867, 22416021, 23477994, 24498942). It has also been observed to segregate with disease in related individuals. ClinVar contains an entry for this variant (Variation ID: 65636). For these reasons, this variant has been classified as Pathogenic.

PreventionGenetics, part of Exact Sciences
Classification: Pathogenic for DNAH5-related condition. Last evaluated: 2025-09-24. Review status: criteria provided, single submitter. Criteria: ACMG Guidelines, 2015. Collection method: clinical testing. Allele origin: germline.
Comment: The DNAH5 c.10815delT variant is predicted to result in a frameshift and premature protein termination (p.Pro3606Hisfs*23). This variant has been reported in the homozygous or compound heterozygous state in multiple unrelated patients with primary ciliary dyskinesia (see, for example, Hornef et al. 2006. PubMed ID: 16627867; Paff et al. 2018. PubMed ID: 29363216; Black et al. 2024. PubMed ID: 39115449). This variant is reported in 0.034% of alleles in individuals of European (non-Finnish) descent in gnomAD, including one homozygote. Frameshift variants in DNAH5 are expected to be pathogenic. This variant is interpreted as pathogenic.

Variantyx, Inc.
Classification: Pathogenic for Primary ciliary dyskinesia 3. Last evaluated: 2025-09-11. Review status: criteria provided, single submitter. Criteria: Variantyx Assertion Criteria 2022. Collection method: clinical testing. Allele origin: germline. Inheritance: Autosomal recessive inheritance. Affected: yes.
Comment: This is a frameshift variant in the DNAH5 gene (OMIM: 603335). Pathogenic variants in this gene have been associated with autosomal recessive primary ciliary dyskinesia 3. This variant introduces a premature termination codon in exon 63 out of 79 and is expected to result in loss of function, which is a known disease mechanism for DNAH5 in this disorder (PMID: 11788826, 16627867) (PVS1). This variant has been identified in the homozygous or compound heterozygous state in at least three unrelated individuals reported in the published literature (PMID: 16627867, 23477994) (PM3_Strong) and has a 0.0541% maximum allele frequency in non-founder control populations (PM2). Based on the current evidence, this variant is classified as pathogenic for autosomal recessive primary ciliary dyskinesia 3.

3billion
Classification: Pathogenic for Primary ciliary dyskinesia 3. Last evaluated: 2025-09-09. Review status: criteria provided, single submitter. Criteria: ACMG Guidelines, 2015. Collection method: clinical testing. Allele origin: germline. Affected: yes.
Comment: The variant is observed at an extremely low frequency in the gnomAD v4.1.0 dataset (total allele frequency: 0.041%). Predicted Consequence/Location: Frameshift: predicted to result in a loss or disruption of normal protein function through nonsense-mediated decay (NMD) or protein truncation. Multiple pathogenic variants are reported downstream of the variant. The variant has been reported at least twice as pathogenic with clinical assertions and evidence for the classification (ClinVar ID: VCV000065636 /PMID: 16627867). Therefore, this variant is classified as Pathogenic according to the recommendation of ACMG/AMP guideline.

Ambry Genetics
Classification: Pathogenic for Primary ciliary dyskinesia. Last evaluated: 2025-07-03. Review status: criteria provided, single submitter. Criteria: Ambry Variant Classification Scheme 2023. Collection method: clinical testing. Allele origin: germline.
Comment: The c.10815delT pathogenic mutation, located in coding exon 63 of the DNAH5 gene, results from a deletion of one nucleotide at nucleotide position 10815, causing a translational frameshift with a predicted alternate stop codon (p.P3606Hfs*23). In one study, this mutation was seen in 7 of 134 (5.2%) primary ciliary dyskinesia (PCD) families, with a particularly high prevalence in individuals with PCD from the United States (Hornef N et al. Am. J. Respir. Crit. Care Med., 2006 Jul;174:120-6). In addition to the clinical data presented in the literature, this alteration is expected to result in loss of function by premature protein truncation or nonsense-mediated mRNA decay. As such, this alteration is interpreted as a disease-causing mutation.

Women's Health and Genetics/Laboratory Corporation of America, LabCorp
Classification: Pathogenic for Primary ciliary dyskinesia 3. Last evaluated: 2025-04-09. Review status: criteria provided, single submitter. Criteria: LabCorp Variant Classification Summary - May 2015. Collection method: clinical testing. Allele origin: germline.
Comment: Variant summary: DNAH5 c.10815delT (p.Pro3606Hisfs*23) results in a premature termination codon, predicted to cause a truncation of the encoded protein or absence of the protein due to nonsense mediated decay, which are commonly known mechanisms for disease. The variant allele was found at a frequency of 0.00016 in 250906 control chromosomes in the gnomAD database, including 1 homozygotes. This frequency is not significantly higher than estimated for a pathogenic variant in DNAH5 causing Primary ciliary dyskinesia 3, allowing no conclusion about variant significance. c.10815delT has been reported in the literature in multiple individuals affected with Primary ciliary dyskinesia 3 (e.g., Hornef_2006, Paff_2018). The following publications have been ascertained in the context of this evaluation (PMID: 16627867, 29363216). ClinVar contains an entry for this variant (Variation ID: 65636). Based on the evidence outlined above, the variant was classified as pathogenic.

Mayo Clinic Laboratories, Mayo Clinic
Classification: Pathogenic. Last evaluated: 2025-02-27. Review status: criteria provided, single submitter. Criteria: ACMG Guidelines, 2015. Collection method: clinical testing. Allele origin: germline. Observed: 1 variant allele.
Comment: PP4, PM3_very_strong, PVS1

Laboratory of Genetics, Children's Clinical University Hospital Latvia
Classification: Pathogenic. Last evaluated: 2025-02-16. Review status: criteria provided, single submitter. Criteria: ACMG Guidelines, 2015. Collection method: clinical testing. Allele origin: germline. Affected: yes.

Fulgent Genetics
Classification: Pathogenic for Primary ciliary dyskinesia 3. Last evaluated: 2024-04-23. Review status: criteria provided, single submitter. Criteria: ACMG Guidelines, 2015. Collection method: clinical testing. Allele origin: germline.

Molecular Genetics McLendon Clinical Laboratories, University of North Carolina at Chapel Hill
Classification: Pathogenic for Primary ciliary dyskinesia. Last evaluated: 2024-03-19. Review status: criteria provided, single submitter. Criteria: ACMG Guidelines, 2015. Collection method: clinical testing. Allele origin: germline.

Blueprint Genetics
Classification: Pathogenic for DNAH5-related disorders. Last evaluated: 2024-03-08. Review status: criteria provided, single submitter. Criteria: ACMG Guidelines, 2015. Collection method: clinical testing. Allele origin: germline. Affected: yes. Observed: 5 variant alleles.

NM_001369.3(DNAH5):c.10815del (p.Pro3606fs)

Gene: DNAH5 (dynein axonemal heavy chain 5; minus strand). Cytogenetic location: 5p15.2.
Variant type: Deletion.
Coding change: c.10815del on transcript NM_001369.3 (MANE Select); coding-DNA position 10815, one base deleted (T; older notation c.10815delT).
Protein change: p.Pro3606fs; shifts the reading frame from proline 3606.
Molecular consequence: frameshift variant.
Genome position (GRCh38, 1-based): chr5:13,753,290, A deleted on the plus strand (T on the coding strand, the reverse complement: DNAH5 is on the minus strand). VCF-style (leftmost placement, unchanged base first): chr5-13753289-GA-G. GRCh37 (hg19) VCF-style: chr5-13753398-GA-G.
Other names: p.Pro3606Hisfs*23; c.10815delT (NM_001369.2, NM_001369.3); short protein forms P3606fs.
Identifiers: ClinVar variation 65636 (VCV000065636.88), dbSNP rs397515540, ClinGen allele CA339772.
Genomic context (GRCh38, chr5:13,753,289, plus strand): 5'-TTACCTGGAGTTCATTTCGGCTTTCTTTATTTTTAATCCAGATCTTGCCTTGAGTCTGTG[GA>G]TCAATTAACAAAGGGTAACGAGATGCCTTCGTGACAATAATTCCATTTTGAATGGACAAG-3'